The following is an entry in ClinVar:

ClinVar aggregate classification (germline): Uncertain significance. Review status: criteria provided, multiple submitters, no conflicts (2 of 4 stars). 3 submissions from 3 submitters: Uncertain significance (3). Last evaluated 2026-07-21.

Conditions:
TBX3-related disorder. Also called: TBX3-related condition.
Inborn genetic diseases. Identifiers: MedGen C0950123, MeSH D030342.
Ulnar-mammary syndrome (UMS). Also called: SCHINZEL SYNDROME; Ulnar-mammary syndrome of Pallister; PALLISTER ULNAR-MAMMARY SYNDROME. Identifiers: Orphanet 3138, MedGen C1866994, MONDO:0008411, OMIM 181450.

Allele frequency attached by ClinVar (database versions not stated): gnomAD 0.00001.
gnomAD v4.1: 3 of 1,517,034 alleles (0.0002%); highest among the groups gnomAD compares: African/African-American, 0.0014%; no homozygotes.

Submissions (3):

PreventionGenetics, part of Exact Sciences
Classification: Uncertain significance for TBX3-related condition. Last evaluated: 2026-07-21. Review status: criteria provided, single submitter. Criteria: ACMG Guidelines, 2015. Collection method: clinical testing. Allele origin: germline.
Comment: The TBX3 c.1442C>G variant is predicted to result in the amino acid substitution p.Pro481Arg. To our knowledge, this variant has not been reported in the literature. This variant is reported in 0.0072% of alleles in individuals of African descent in gnomAD. At this time, the clinical significance of this variant is uncertain due to the absence of conclusive functional and genetic evidence.

Ambry Genetics
Classification: Uncertain significance for Inborn genetic diseases. Last evaluated: 2025-01-21. Review status: criteria provided, single submitter. Criteria: Ambry Variant Classification Scheme 2023. Collection method: clinical testing. Allele origin: germline.

Labcorp Genetics (formerly Invitae), Labcorp
Classification: Uncertain significance for Ulnar-mammary syndrome. Last evaluated: 2023-07-12. Review status: criteria provided, single submitter. Criteria: Invitae Variant Classification Sherloc (09022015). Collection method: clinical testing. Allele origin: germline.
Comment: In summary, the available evidence is currently insufficient to determine the role of this variant in disease. Therefore, it has been classified as a Variant of Uncertain Significance. An algorithm developed to predict the effect of missense changes on protein structure and function (PolyPhen-2) suggests that this variant is likely to be disruptive. This variant has not been reported in the literature in individuals affected with TBX3-related conditions. This variant is present in population databases (rs772493303, gnomAD 0.007%). This sequence change replaces proline, which is neutral and non-polar, with arginine, which is basic and polar, at codon 461 of the TBX3 protein (p.Pro461Arg).

NM_005996.4(TBX3):c.1382C>G (p.Pro461Arg)

Gene: TBX3 (T-box transcription factor 3; minus strand). Cytogenetic location: 12q24.21.
Variant type: single nucleotide variant.
Coding change: c.1382C>G on transcript NM_005996.4 (MANE Select); coding-DNA position 1382, C replaced by G.
Protein change: p.Pro461Arg; replaces proline 461 with arginine.
Molecular consequence: missense variant.
Genome position (GRCh38, 1-based): chr12:114,674,493, G>C on the plus strand (C>G on the coding strand, the complement: TBX3 is on the minus strand). VCF-style: chr12-114674493-G-C. GRCh37 (hg19) VCF-style: chr12-115112298-G-C.
Other names: c.1442C>G (NM_016569.3); c.1382C>G (NM_005996.3); c.1442C>G, p.Pro481Arg (NM_016569.4); short protein forms P461R, P481R.
Identifiers: ClinVar variation 2730239 (VCV002730239.6), dbSNP rs772493303, ClinGen allele CA6809921.